The following is an entry in ClinVar:

ClinVar aggregate classification (germline): Uncertain significance. Review status: criteria provided, multiple submitters, no conflicts (2 of 4 stars). 2 submissions from 2 submitters: Uncertain significance (2). Last evaluated 2024-06-16.

Conditions:
Inborn genetic diseases. Identifiers: MedGen C0950123, MeSH D030342.

Allele frequency attached by ClinVar (database versions not stated): gnomAD 0.00001; TOPMed 0.00001; ExAC 0.00002.
gnomAD v4.1: 17 of 1,610,668 alleles (0.0011%); highest among the groups gnomAD compares: Admixed American, 0.0051%; no homozygotes.

Submissions (2):

Ambry Genetics
Classification: Uncertain significance for Inborn genetic diseases. Last evaluated: 2024-06-16. Review status: criteria provided, single submitter. Criteria: Ambry Variant Classification Scheme 2023. Collection method: clinical testing. Allele origin: germline.

Labcorp Genetics (formerly Invitae), Labcorp
Classification: Uncertain significance. Last evaluated: 2023-06-10. Review status: criteria provided, single submitter. Criteria: Invitae Variant Classification Sherloc (09022015). Collection method: clinical testing. Allele origin: germline.
Comment: In summary, the available evidence is currently insufficient to determine the role of this variant in disease. Therefore, it has been classified as a Variant of Uncertain Significance. Advanced modeling of protein sequence and biophysical properties (such as structural, functional, and spatial information, amino acid conservation, physicochemical variation, residue mobility, and thermodynamic stability) performed at Invitae indicates that this missense variant is expected to disrupt WDR73 protein function. ClinVar contains an entry for this variant (Variation ID: 1917419). This variant has not been reported in the literature in individuals affected with WDR73-related conditions. The frequency data for this variant in the population databases is considered unreliable, as metrics indicate poor data quality at this position in the gnomAD database. This sequence change replaces arginine, which is basic and polar, with tryptophan, which is neutral and slightly polar, at codon 206 of the WDR73 protein (p.Arg206Trp).

NM_032856.5(WDR73):c.616C>T (p.Arg206Trp)

Gene: WDR73 (WD repeat domain 73; minus strand). Cytogenetic location: 15q25.2.
Variant type: single nucleotide variant.
Coding change: c.616C>T on transcript NM_032856.5 (MANE Select); coding-DNA position 616, C replaced by T.
Protein change: p.Arg206Trp; replaces arginine 206 with tryptophan.
Molecular consequence: missense variant. On other transcripts: non-coding transcript variant (4).
Genome position (GRCh38, 1-based): chr15:84,645,738, G>A on the plus strand (C>T on the coding strand, the complement: WDR73 is on the minus strand). VCF-style: chr15-84645738-G-A. GRCh37 (hg19) VCF-style: chr15-85188969-G-A.
Other names: c.616C>T (NM_032856.2); short protein forms R206W.
Identifiers: ClinVar variation 1917419 (VCV001917419.6), dbSNP rs776982721, ClinGen allele CA7707290.